The following is an entry in ClinVar:

ClinVar aggregate classification (germline): Pathogenic/Likely pathogenic. Review status: criteria provided, multiple submitters, no conflicts (2 of 4 stars). 2 submissions from 2 submitters: Pathogenic (1); Likely pathogenic (1). Last evaluated 2025-11-10.

Conditions:
TRIM37-related disorder. Also called: TRIM37-related condition.

Submissions (2):

Labcorp Genetics (formerly Invitae), Labcorp
Classification: Pathogenic. Last evaluated: 2025-11-10. Review status: criteria provided, single submitter. Criteria: Invitae Variant Classification Sherloc (09022015). Collection method: clinical testing. Allele origin: germline.
Comment: This sequence change creates a premature translational stop signal (p.Ser715Phefs*3) in the TRIM37 gene. It is expected to result in an absent or disrupted protein product. Loss-of-function variants in TRIM37 are known to be pathogenic (PMID: 10888877, 15108285). This variant is not present in population databases (gnomAD no frequency). This variant has not been reported in the literature in individuals affected with TRIM37-related conditions. ClinVar contains an entry for this variant (Variation ID: 3006762). For these reasons, this variant has been classified as Pathogenic.

Blueprint Genetics
Classification: Likely pathogenic for TRIM37-related disorders. Last evaluated: 2024-02-13. Review status: criteria provided, single submitter. Criteria: ACMG Guidelines, 2015. Collection method: clinical testing. Allele origin: germline. Affected: yes. Observed: 3 variant alleles.

Literature cited by the submitters: PubMed 10888877 (cited by Labcorp Genetics (formerly Invitae), Labcorp); PubMed 15108285 (cited by Labcorp Genetics (formerly Invitae), Labcorp).

NM_015294.6(TRIM37):c.2143dup (p.Ser715fs)

Gene: TRIM37 (tripartite motif containing 37; minus strand). Cytogenetic location: 17q22.
Variant type: Duplication.
Coding change: c.2143dup on transcript NM_015294.6 (MANE Select); coding-DNA position 2143, one base duplicated (T; older notation c.2143dupT).
Protein change: p.Ser715fs; shifts the reading frame from serine 715.
Molecular consequence: frameshift variant. On other transcripts: non-coding transcript variant (2).
Genome position (GRCh38, 1-based): chr17:59,028,529, A duplicated on the plus strand (T on the coding strand, the reverse complement: TRIM37 is on the minus strand); the first of 6 consecutive A bases (chr17:59,028,529-59,028,534); duplicating any one gives the same sequence. VCF-style (leftmost placement, unchanged base first): chr17-59028528-G-GA. GRCh37 (hg19) VCF-style: chr17-57105889-G-GA.
Other names: c.2143dup, p.Ser715fs (NM_001005207.5, NM_001320988.3, NM_001320989.3 and 1 more transcripts); c.2041dup, p.Ser681fs (NM_001320987.3, NM_001353082.2); c.1777dup, p.Ser593fs (NM_001320990.3); c.1408dup, p.Ser470fs (NM_001353083.2); c.1681dup, p.Ser561fs (NM_001353085.2); c.2092dup, p.Ser698fs (NM_001353086.2); short protein forms S470fs, S561fs, S681fs, S698fs, S715fs, S593fs.
Identifiers: ClinVar variation 3006762 (VCV003006762.4), dbSNP rs2545200888, ClinGen allele CA2639024271.